The following is an entry in ClinVar:

NM_001365536.1(SCN9A):c.4168G>A (p.Asp1390Asn)

Genes: SCN1A-AS1 (SCN1A and SCN9A antisense RNA 1; plus strand), SCN9A (sodium voltage-gated channel alpha subunit 9; minus strand). Cytogenetic location: 2q24.3.
Variant type: single nucleotide variant.
Coding change: c.4168G>A on transcript NM_001365536.1 (MANE Select); coding-DNA position 4168, G replaced by A.
Protein change: p.Asp1390Asn; replaces aspartic acid 1390 with asparagine.
Molecular consequence: missense variant.
Genome position (GRCh38, 1-based): chr2:166,228,729, C>T on the plus strand (G>A on the coding strand, the complement: SCN9A is on the minus strand). VCF-style: chr2-166228729-C-T. GRCh37 (hg19) VCF-style: chr2-167085239-C-T.
Other names: c.4135G>A, p.Asp1379Asn (NM_002977.4); short protein forms D1379N, D1390N.
Identifiers: ClinVar variation 2055400 (VCV002055400.4), dbSNP rs778452580, ClinGen allele CA1943938.

ClinVar aggregate classification (germline): Uncertain significance (1 of 4 stars; one submission).

Conditions:
Generalized epilepsy with febrile seizures plus, type 7 (GEFSP7). Also called: GEFS+, TYPE 7. Identifiers: Orphanet 36387, MedGen C2751778, MONDO:0013470, OMIM 613863.
Neuropathy, hereditary sensory and autonomic, type 2A (HSAN2A). Also called: MORVAN DISEASE; WNK1-Related HSAN2 (HSAN2A); NEUROPATHY, CONGENITAL SENSORY; NEUROPATHY, HEREDITARY SENSORY RADICULAR, AUTOSOMAL RECESSIVE; NEUROPATHY, HEREDITARY SENSORY, TYPE IIA; NEUROPATHY, PROGRESSIVE SENSORY, OF CHILDREN. Identifiers: Orphanet 970, MedGen C2752089, MONDO:0024309, OMIM 201300.

Allele frequency attached by ClinVar (database versions not stated): gnomAD exomes below 0.00001; TOPMed below 0.00001; ExAC 0.00001.
gnomAD v4.1: 1 of 1,613,598 alleles (0.000062%); highest among the groups gnomAD compares: East Asian, 0.0022%; no homozygotes.

Submission:

Labcorp Genetics (formerly Invitae), Labcorp
Classification: Uncertain significance for Neuropathy, hereditary sensory and autonomic, type 2A; Generalized epilepsy with febrile seizures plus, type 7. Last evaluated: 2021-12-23. Review status: criteria provided, single submitter. Criteria: Invitae Variant Classification Sherloc (09022015). Collection method: clinical testing. Allele origin: germline.
Comment: This sequence change replaces aspartic acid, which is acidic and polar, with asparagine, which is neutral and polar, at codon 1379 of the SCN9A protein (p.Asp1379Asn). This variant is present in population databases (rs778452580, gnomAD 0.006%). This variant has not been reported in the literature in individuals affected with SCN9A-related conditions. Algorithms developed to predict the effect of missense changes on protein structure and function are either unavailable or do not agree on the potential impact of this missense change (SIFT: "Deleterious"; PolyPhen-2: "Probably Damaging"; Align-GVGD: "Class C15"). In summary, the available evidence is currently insufficient to determine the role of this variant in disease. Therefore, it has been classified as a Variant of Uncertain Significance.